The following is an entry in ClinVar:

NM_001379200.1(TBX1):c.196G>C (p.Ala66Pro)

Gene: TBX1 (T-box transcription factor 1; plus strand). Cytogenetic location: 22q11.21.
Variant type: single nucleotide variant.
Coding change: c.196G>C on transcript NM_001379200.1 (MANE Select); coding-DNA position 196, G replaced by C.
Protein change: p.Ala66Pro; replaces alanine 66 with proline.
Molecular consequence: missense variant.
Genome position (GRCh38, 1-based): chr22:19,761,039, G>C. VCF-style: chr22-19761039-G-C. GRCh37 (hg19) VCF-style: chr22-19748562-G-C.
Other names: c.169G>C, p.Ala57Pro (NM_005992.1, NM_080646.2, NM_080647.1); short protein forms A57P, A66P.
Identifiers: ClinVar variation 4874643 (VCV004874643.2).
Genomic context (GRCh38, chr22:19,761,039, plus strand): 5'-CCGTACGGCCCGCGCGAGCCCCCGCCGCCGCCGCCGCGCTACGACCCGTGCGCCGCCGCC[G>C]CCCCCGGCGCCCCGGGCCCGCCGCCGCCGCCGCACGCCTACCCGTTTGCGCCGGCCGCCG-3'
Protein context (NP_001366129.1, residues 56-76): PPRYDPCAAA[Ala66Pro]PGAPGPPPPP

ClinVar aggregate classification (germline): Uncertain significance (1 of 4 stars; one submission).

Submission:

CeGaT Center for Human Genetics Tuebingen
Classification: Uncertain significance. Last evaluated: 2026-04-01. Review status: criteria provided, single submitter. Criteria: CeGaT Center For Human Genetics Tuebingen Variant Classification Criteria Version 2. Collection method: clinical testing. Allele origin: germline. Affected: yes. Observed: 1 variant allele.
Comment: TBX1: PM2